The following is an entry in ClinVar:

NC_000023.10:g.(?_32827600)_(32834767_?)dup

Gene: DMD (dystrophin; minus strand). Cytogenetic location: Xp21.1.
Variant type: Duplication.
Identifiers: ClinVar variation 657381 (VCV000657381.2).

ClinVar aggregate classification (germline): Pathogenic (1 of 4 stars; one submission).

Conditions:
Duchenne muscular dystrophy (DMD). Also called: MUSCULAR DYSTROPHY, PSEUDOHYPERTROPHIC PROGRESSIVE, DUCHENNE TYPE; Duchenne Muscular Dystrophy (DMD). Identifiers: Orphanet 98896, MedGen C0013264, MONDO:0010679, OMIM 310200.

Submission:

Labcorp Genetics (formerly Invitae), Labcorp
Classification: Pathogenic for Duchenne muscular dystrophy. Last evaluated: 2019-06-05. Review status: criteria provided, single submitter. Criteria: Invitae Variant Classification Sherloc (09022015). Collection method: clinical testing. Allele origin: germline.
Comment: This variant results in a copy number gain of the genomic region encompassing exons 6-7 of the DMD gene. While the exact position of this variant cannot be determined from this data, sub-genic copy number gains are generally in tandem (PMID: 25640679) and may result in an absent or disrupted protein product. This variant has been observed in several individuals affected with DMD-related muscular dystrophy (PMID: 12111668, 16917894). Loss-of-function variants in DMD are known to be pathogenic (PMID: 16770791, 25007885). For these reasons, this variant has been classified as Pathogenic.

Literature cited by the submitters: PubMed 16917894; PubMed 12111668.